The following is an entry in ClinVar:

NM_001364716.4(MPRIP):c.1218G>A (p.Glu406=)

Gene: MPRIP (myosin phosphatase Rho interacting protein; plus strand). Cytogenetic location: 17p11.2.
Variant type: single nucleotide variant.
Coding change: c.1218G>A on transcript NM_001364716.4 (MANE Select); coding-DNA position 1218, G replaced by A.
Protein change: p.Glu406=; no amino-acid change (glutamic acid 406 retained).
Molecular consequence: synonymous variant. On other transcripts: intron variant (2).
Genome position (GRCh38, 1-based): chr17:17,138,397, G>A. VCF-style: chr17-17138397-G-A. GRCh37 (hg19) VCF-style: chr17-17041711-G-A.
Other names: c.896+322G>A (NM_201274.4, NM_015134.4).
Identifiers: ClinVar variation 2647511 (VCV002647511.24), dbSNP rs925382230, ClinGen allele CA288289925.

ClinVar aggregate classification (germline): Likely benign (1 of 4 stars; one submission).

Allele frequency attached by ClinVar (database versions not stated): gnomAD 0.00051; TOPMed 0.00053; gnomAD exomes 0.00076.
gnomAD v4.1: 188 of 295,048 alleles (0.064%); highest among the groups gnomAD compares: Non-Finnish European, 0.013%; 1 homozygote.

Submission:

CeGaT Center for Human Genetics Tuebingen
Classification: Likely benign. Last evaluated: 2022-10-01. Review status: criteria provided, single submitter. Criteria: CeGaT Center For Human Genetics Tuebingen Variant Classification Criteria Version 2. Collection method: clinical testing. Allele origin: germline. Affected: yes. Observed: 1 variant allele.
Comment: MPRIP: BP4, BP7